The following is an entry in ClinVar:

NM_017950.4(CCDC40):c.3210A>G (p.Thr1070=)

Gene: CCDC40 (coiled-coil domain 40 molecular ruler complex subunit; plus strand). Cytogenetic location: 17q25.3.
Variant type: single nucleotide variant.
Coding change: c.3210A>G on transcript NM_017950.4 (MANE Select); coding-DNA position 3210, A replaced by G.
Protein change: p.Thr1070=; no amino-acid change (threonine 1070 retained).
Molecular consequence: synonymous variant.
Genome position (GRCh38, 1-based): chr17:80,099,556, A>G. VCF-style: chr17-80099556-A-G. GRCh37 (hg19) VCF-style: chr17-78073355-A-G.
Other names: p.Thr1070=.
Identifiers: ClinVar variation 162852 (VCV000162852.32), dbSNP rs56407805, ClinGen allele CA175437.

ClinVar aggregate classification (germline): Benign/Likely benign. Review status: criteria provided, multiple submitters, no conflicts (2 of 4 stars). 12 submissions from 12 submitters: Benign (9); Likely benign (1). 2 of the submissions do not count toward it. Last evaluated 2026-02-03.

Conditions:
Primary ciliary dyskinesia. Also called: Ciliary dyskinesia. Identifiers: Orphanet 244, MedGen C0008780, MONDO:0016575, HP:0012265.
Primary ciliary dyskinesia 15. Also called: CILIARY DYSKINESIA, PRIMARY, 15, WITH OR WITHOUT SITUS INVERSUS. Identifiers: Orphanet 244, MedGen C3151137, MONDO:0013435, OMIM 613808.

Allele frequency attached by ClinVar (database versions not stated): gnomAD exomes 0.30259; ExAC 0.31416; ESP Exome Variant Server 0.34773; TOPMed 0.34805; gnomAD 0.35053 and 0.35335; 1000 Genomes Project 30x 0.39366; 1000 Genomes Project 0.39457.
gnomAD v4.1: 474,074 of 1,611,218 alleles (29%); highest among the groups gnomAD compares: African/African-American, 51%; 73,394 homozygotes.

Submissions (12):

Labcorp Genetics (formerly Invitae), Labcorp
Classification: Benign for Primary ciliary dyskinesia. Last evaluated: 2026-02-03. Review status: criteria provided, single submitter. Criteria: Invitae Variant Classification Sherloc (09022015). Collection method: clinical testing. Allele origin: germline.

Blueprint Genetics
Classification: Likely benign. Last evaluated: 2024-11-28. Review status: criteria provided, single submitter. Criteria: ACMG Guidelines, 2015. Collection method: clinical testing. Allele origin: germline.

Mayo Clinic Laboratories, Mayo Clinic
Classification: Benign. Last evaluated: 2022-04-26. Review status: criteria provided, single submitter. Criteria: ACMG Guidelines, 2015. Collection method: clinical testing. Allele origin: germline. Observed: 99 variant alleles.

GeneDx
Classification: Benign. Last evaluated: 2018-07-05. Review status: criteria provided, single submitter. Criteria: GeneDx Variant Classification Process June 2021. Collection method: clinical testing. Allele origin: germline. Affected: yes.

Illumina Laboratory Services, Illumina
Classification: Benign for Primary ciliary dyskinesia 15. Last evaluated: 2018-01-12. Review status: criteria provided, single submitter. Criteria: ICSL Variant Classification Criteria 13 December 2019. Collection method: clinical testing. Allele origin: germline.
Comment: This variant was observed in the ICSL laboratory as part of a predisposition screen in an ostensibly healthy population. It had not been previously curated by ICSL or reported in the Human Gene Mutation Database (HGMD: prior to June 1st, 2018), and was therefore a candidate for classification through an automated scoring system. Utilizing variant allele frequency, disease prevalence and penetrance estimates, and inheritance mode, an automated score was calculated to assess if this variant is too frequent to cause the disease. Based on the score and internal cut-off values, a variant classified as benign is not then subjected to further curation. The score for this variant resulted in a classification of benign for this disease.

Ambry Genetics
Classification: Benign for Primary ciliary dyskinesia. Last evaluated: 2016-07-07. Review status: criteria provided, single submitter. Criteria: Ambry Variant Classification Scheme 2023. Collection method: clinical testing. Allele origin: germline.

Eurofins Ntd Llc (ga)
Classification: Benign. Last evaluated: 2014-05-07. Review status: criteria provided, single submitter. Criteria: EGL Classification Definitions 2015. Collection method: clinical testing. Allele origin: germline. Observed: 4 variant alleles, 4 homozygotes.

Laboratory for Molecular Medicine, Mass General Brigham Personalized Medicine
Classification: Benign. Last evaluated: 2013-02-21. Review status: criteria provided, single submitter. Criteria: LMM Criteria. Collection method: clinical testing. Allele origin: germline. Observed: 54 variant alleles.
Comment: Thr1070Thr in exon 20 of CCDC40: This variant is not expected to have clinical s ignificance because it does not alter an amino acid residue and is not located w ithin the splice consensus sequence. It has been identified in 49.4% (1938/3920) of African American chromosomes from a broad population by the NHLBI Exome Sequ encing Project (dbSNP rs56407805).

Breakthrough Genomics
Classification: Benign. Review status: criteria provided, single submitter. Criteria: ACMG Guidelines, 2015. Collection method: not provided. Allele origin: germline. Inheritance: Autosomal recessive inheritance. Affected: yes.

PreventionGenetics, part of Exact Sciences
Classification: Benign. Review status: criteria provided, single submitter. Criteria: ACMG Guidelines, 2015. Collection method: clinical testing. Allele origin: germline.

Clinical Genetics DNA and cytogenetics Diagnostics Lab, Erasmus MC, Erasmus Medical Center
Classification: Benign. Review status: no assertion criteria provided. Collection method: clinical testing. Allele origin: germline. Affected: yes. Study: VKGL Data-share Consensus. Not counted in ClinVar's aggregate classification.

Diagnostic Laboratory, Department of Genetics, University Medical Center Groningen
Classification: Benign for Primary ciliary dyskinesia 15. Review status: no assertion criteria provided. Collection method: clinical testing. Allele origin: germline. Affected: yes. Study: VKGL Data-share Consensus. Not counted in ClinVar's aggregate classification.